The following is an entry in ClinVar:

ClinVar aggregate classification (germline): Pathogenic (1 of 4 stars; one submission).

Conditions:
Melnick-Fraser syndrome (BOR). Also called: Branchiootorenal Syndrome (BORS); Branchiootorenal syndrome; Branchio-oto-renal syndrome. Identifiers: Orphanet 107, MedGen C0265234, MONDO:0007029.

Submission:

Labcorp Genetics (formerly Invitae), Labcorp
Classification: Pathogenic for Melnick-Fraser syndrome. Last evaluated: 2019-04-24. Review status: criteria provided, single submitter. Criteria: Invitae Variant Classification Sherloc (09022015). Collection method: clinical testing. Allele origin: germline.
Comment: This variant is not present in population databases (ExAC no frequency). This sequence change creates a premature translational stop signal (p.Ser157*) in the EYA1 gene. It is expected to result in an absent or disrupted protein product. This variant has not been reported in the literature in individuals with EYA1-related conditions. For these reasons, this variant has been classified as Pathogenic. Loss-of-function variants in EYA1 are known to be pathogenic (PMID: 18220287, 10464653).

Literature cited by the submitters: PubMed 18220287; PubMed 10464653.

NM_000503.6(EYA1):c.470C>A (p.Ser157Ter)

Gene: EYA1 (EYA transcriptional coactivator and phosphatase 1; minus strand). Cytogenetic location: 8q13.3.
Variant type: single nucleotide variant.
Coding change: c.470C>A on transcript NM_000503.6 (MANE Select); coding-DNA position 470, C replaced by A.
Protein change: p.Ser157Ter; replaces serine 157 with a stop codon.
Molecular consequence: nonsense.
Genome position (GRCh38, 1-based): chr8:71,317,638, G>T on the plus strand (C>A on the coding strand, the complement: EYA1 is on the minus strand). VCF-style: chr8-71317638-G-T. GRCh37 (hg19) VCF-style: chr8-72229873-G-T.
Other names: c.452C>A, p.Ser151Ter (NM_001288574.2); c.104C>A, p.Ser35Ter (NM_001288575.2); c.557C>A, p.Ser186Ter (NM_001370333.1); c.470C>A, p.Ser157Ter (NM_001370334.1, NM_001370335.1, NM_172058.4); c.539C>A, p.Ser180Ter (NM_001370336.1); c.542C>A, p.Ser181Ter (NM_172059.5); short protein forms S157*, S180*, S186*, S35*, S181*, S151*.
Identifiers: ClinVar variation 844683 (VCV000844683.7), dbSNP rs1586333305, ClinGen allele CA371468084.